The following is an entry in ClinVar:

NM_006767.4(LZTR1):c.2381A>C (p.His794Pro)

Gene: LZTR1 (leucine zipper like post translational regulator 1; plus strand). Cytogenetic location: 22q11.21.
Variant type: single nucleotide variant.
Coding change: c.2381A>C on transcript NM_006767.4 (MANE Select); coding-DNA position 2381, A replaced by C.
Protein change: p.His794Pro; replaces histidine 794 with proline.
Molecular consequence: missense variant.
Genome position (GRCh38, 1-based): chr22:20,996,941, A>C. VCF-style: chr22-20996941-A-C. GRCh37 (hg19) VCF-style: chr22-21351230-A-C.
Other names: short protein forms H794P.
Identifiers: ClinVar variation 1050668 (VCV001050668.5), dbSNP rs2147970584, ClinGen allele CA410781137.

ClinVar aggregate classification (germline): Uncertain significance. Review status: criteria provided, multiple submitters, no conflicts (2 of 4 stars). 3 submissions from 3 submitters: Uncertain significance (2). 1 of the submissions does not count toward it. Last evaluated 2025-02-13.

Conditions:
Hereditary cancer-predisposing syndrome. Also called: Tumor predisposition; Hereditary neoplastic syndrome; Hereditary Cancer Syndrome; Neoplastic Syndromes, Hereditary. Identifiers: Orphanet 140162, MedGen C0027672, MeSH D009386, MONDO:0015356.
Cardiovascular phenotype. Identifiers: MedGen CN230736.

Submissions (3):

Labcorp Genetics (formerly Invitae), Labcorp
Classification: Uncertain significance. Last evaluated: 2025-02-13. Review status: criteria provided, single submitter. Criteria: Invitae Variant Classification Sherloc (09022015). Collection method: clinical testing. Allele origin: germline.
Comment: This sequence change replaces histidine, which is basic and polar, with proline, which is neutral and non-polar, at codon 794 of the LZTR1 protein (p.His794Pro). This variant is not present in population databases (gnomAD no frequency). This variant has not been reported in the literature in individuals affected with LZTR1-related conditions. ClinVar contains an entry for this variant (Variation ID: 1050668). Invitae Evidence Modeling of protein sequence and biophysical properties (such as structural, functional, and spatial information, amino acid conservation, physicochemical variation, residue mobility, and thermodynamic stability) indicates that this missense variant is not expected to disrupt LZTR1 protein function with a negative predictive value of 80%. In summary, the available evidence is currently insufficient to determine the role of this variant in disease. Therefore, it has been classified as a Variant of Uncertain Significance.

Ambry Genetics
Classification: Uncertain significance for Cardiovascular phenotype; Hereditary cancer-predisposing syndrome. Last evaluated: 2022-06-27. Review status: criteria provided, single submitter. Criteria: Ambry Variant Classification Scheme 2023. Collection method: clinical testing. Allele origin: germline.
Comment: The p.H794P variant (also known as c.2381A>C), located in coding exon 20 of the LZTR1 gene, results from an A to C substitution at nucleotide position 2381. The histidine at codon 794 is replaced by proline, an amino acid with similar properties. This amino acid position is conserved. In addition, this alteration is predicted to be deleterious by in silico analysis. Since supporting evidence is limited at this time, the clinical significance of this alteration remains unclear.

Department of Pathology and Laboratory Medicine, Sinai Health System
Classification: Uncertain significance. Review status: no assertion criteria provided. Collection method: clinical testing. Allele origin: unknown. Affected: yes. Study: The Canadian Open Genetics Repository (COGR). Not counted in ClinVar's aggregate classification.
Comment: The LZTR1 p.His794Pro variant was not identified in the literature nor was it identified in dbSNP, ClinVar, Cosmic, LOVD 3.0 or in the following control databases: the 1000 Genomes Project, the NHLBI GO Exome Sequencing Project, the Exome Aggregation Consortium (August 8th 2016), or the Genome Aggregation Database (Feb 27, 2017). The p.His794 residue is conserved in mammals but not in more distantly related organisms, and four out of five computational analyses (PolyPhen-2, SIFT, BLOSUM, MutationTaster) suggest that the variant may impact the protein; however, this information is not predictive enough to assume pathogenicity. In summary, based on the above information the clinical significance of this variant cannot be determined with certainty at this time. This variant is classified as a variant of uncertain significance.